The following is an entry in ClinVar:

NM_003906.5(MCM3AP):c.888C>A (p.Asp296Glu)

Gene: MCM3AP (minichromosome maintenance complex component 3 associated protein; minus strand). Cytogenetic location: 21q22.3.
Variant type: single nucleotide variant.
Coding change: c.888C>A on transcript NM_003906.5 (MANE Select); coding-DNA position 888, C replaced by A.
Protein change: p.Asp296Glu; replaces aspartic acid 296 with glutamic acid.
Molecular consequence: missense variant.
Genome position (GRCh38, 1-based): chr21:46,284,399, G>T on the plus strand (C>A on the coding strand, the complement: MCM3AP is on the minus strand). VCF-style: chr21-46284399-G-T. GRCh37 (hg19) VCF-style: chr21-47704313-G-T.
Other names: short protein forms D296E.
Identifiers: ClinVar variation 1943299 (VCV001943299.5), dbSNP rs201323790, ClinGen allele CA410534165.

ClinVar aggregate classification (germline): Uncertain significance (1 of 4 stars; one submission).

Submission:

Labcorp Genetics (formerly Invitae), Labcorp
Classification: Uncertain significance. Last evaluated: 2022-08-27. Review status: criteria provided, single submitter. Criteria: Invitae Variant Classification Sherloc (09022015). Collection method: clinical testing. Allele origin: germline.
Comment: Algorithms developed to predict the effect of missense changes on protein structure and function output the following: SIFT: "Tolerated"; PolyPhen-2: "Benign"; Align-GVGD: "Class C0". The glutamic acid amino acid residue is found in multiple mammalian species, which suggests that this missense change does not adversely affect protein function. This variant has not been reported in the literature in individuals affected with MCM3AP-related conditions. In summary, the available evidence is currently insufficient to determine the role of this variant in disease. Therefore, it has been classified as a Variant of Uncertain Significance. This sequence change replaces aspartic acid, which is acidic and polar, with glutamic acid, which is acidic and polar, at codon 296 of the MCM3AP protein (p.Asp296Glu). This variant is not present in population databases (gnomAD no frequency).